The following is an entry in ClinVar:

NM_014384.3(ACAD8):c.32C>T (p.Ala11Val)

Gene: ACAD8 (acyl-CoA dehydrogenase family member 8; plus strand). Cytogenetic location: 11q25.
Variant type: single nucleotide variant.
Coding change: c.32C>T on transcript NM_014384.3 (MANE Select); coding-DNA position 32, C replaced by T.
Protein change: p.Ala11Val; replaces alanine 11 with valine.
Molecular consequence: missense variant.
Genome position (GRCh38, 1-based): chr11:134,253,632, C>T. VCF-style: chr11-134253632-C-T. GRCh37 (hg19) VCF-style: chr11-134123526-C-T.
Other names: short protein forms A11V.
Identifiers: ClinVar variation 1376818 (VCV001376818.7), dbSNP rs773403936, ClinGen allele CA383511703.

ClinVar aggregate classification (germline): Uncertain significance (1 of 4 stars; one submission).

Conditions:
Deficiency of isobutyryl-CoA dehydrogenase. Also called: IBD DEFICIENCY; ACYL-CoA DEHYDROGENASE FAMILY, MEMBER 8, DEFICIENCY OF; ACAD8 DEFICIENCY. Identifiers: Orphanet 79159, MedGen C1969809, MONDO:0012648, OMIM 611283.

Allele frequency attached by ClinVar (database versions not stated): TOPMed below 0.00001.

Submissions (2):

Labcorp Genetics (formerly Invitae), Labcorp
Classification: Uncertain significance for Deficiency of isobutyryl-CoA dehydrogenase. Last evaluated: 2024-10-15. Review status: criteria provided, single submitter. Criteria: Invitae Variant Classification Sherloc (09022015). Collection method: clinical testing. Allele origin: germline.
Comment: This sequence change replaces alanine, which is neutral and non-polar, with valine, which is neutral and non-polar, at codon 11 of the ACAD8 protein (p.Ala11Val). This variant is present in population databases (no rsID available, gnomAD 0.004%). This variant has not been reported in the literature in individuals affected with ACAD8-related conditions. ClinVar contains an entry for this variant (Variation ID: 1376818). An algorithm developed to predict the effect of missense changes on protein structure and function outputs the following: PolyPhen-2: "Benign". The valine amino acid residue is found in multiple mammalian species, which suggests that this missense change does not adversely affect protein function. In summary, the available evidence is currently insufficient to determine the role of this variant in disease. Therefore, it has been classified as a Variant of Uncertain Significance.

Dr. Peter K. Rogan Lab, Western University
No classification provided (evidence only). Condition: Thyroid cancer, nonmedullary, 1. Review status: no classification provided. Collection method: in vitro. Allele origin: not applicable. Functional consequence: retained intron. Not counted in ClinVar's aggregate classification.